The following is an entry in ClinVar:

ClinVar aggregate classification (germline): Uncertain significance (1 of 4 stars; one submission).

Submission:

GeneDx
Classification: Uncertain significance. Last evaluated: 2023-05-19. Review status: criteria provided, single submitter. Criteria: GeneDx Variant Classification Process June 2021. Collection method: clinical testing. Allele origin: germline.
Comment: Frameshift variant predicted to result in protein truncation as the last 22 amino acids are replaced with 14 different amino acids, although loss-of-function variants have not been reported downstream of this position in the protein; Not observed at significant frequency in large population cohorts (gnomAD); Has not been previously published as pathogenic or benign to our knowledge

NM_005676.5(RBM10):c.2725del (p.Thr909fs)

Gene: RBM10 (RNA binding motif protein 10; plus strand). Cytogenetic location: Xp11.3.
Variant type: Deletion.
Coding change: c.2725del on transcript NM_005676.5 (MANE Select); coding-DNA position 2725, one base deleted (A; older notation c.2725delA).
Protein change: p.Thr909fs; shifts the reading frame from threonine 909.
Molecular consequence: frameshift variant.
Genome position (GRCh38, 1-based): chrX:47,186,531, A deleted. VCF-style (leftmost placement, unchanged base first): chrX-47186530-CA-C. GRCh37 (hg19) VCF-style: chrX-47045929-CA-C.
Other names: c.2494del, p.Thr832fs (NM_001204466.2); c.2722del, p.Thr908fs (NM_001204467.2); c.2920del, p.Thr974fs (NM_001204468.2); c.2491del, p.Thr831fs (NM_152856.3); short protein forms T831fs, T832fs, T908fs, T909fs, T974fs.
Identifiers: ClinVar variation 2498052 (VCV002498052.2), dbSNP rs2521262172, ClinGen allele CA2580101005.